The following is an entry in ClinVar:

ClinVar aggregate classification (germline): Uncertain significance (1 of 4 stars; one submission).

Submission:

GeneDx
Classification: Uncertain significance. Last evaluated: 2022-01-26. Review status: criteria provided, single submitter. Criteria: GeneDx Variant Classification Process June 2021. Collection method: clinical testing. Allele origin: germline. Affected: yes.
Comment: Not observed at significant frequency in large population cohorts (gnomAD); In silico analysis supports that this missense variant does not alter protein structure/function; Has not been previously published as pathogenic or benign to our knowledge

NM_000834.5(GRIN2B):c.1976A>T (p.Tyr659Phe)

Gene: GRIN2B (glutamate ionotropic receptor NMDA type subunit 2B; minus strand). Cytogenetic location: 12p13.1.
Variant type: single nucleotide variant.
Coding change: c.1976A>T on transcript NM_000834.5 (MANE Select); coding-DNA position 1976, A replaced by T.
Protein change: p.Tyr659Phe; replaces tyrosine 659 with phenylalanine.
Molecular consequence: missense variant.
Genome position (GRCh38, 1-based): chr12:13,608,637, T>A on the plus strand (A>T on the coding strand, the complement: GRIN2B is on the minus strand). VCF-style: chr12-13608637-T-A. GRCh37 (hg19) VCF-style: chr12-13761571-T-A.
Other names: short protein forms Y659F.
Identifiers: ClinVar variation 1338889 (VCV001338889.2), dbSNP rs2136470266, ClinGen allele CA384050799.